The following is an entry in ClinVar:

ClinVar aggregate classification (germline): Uncertain significance (1 of 4 stars; one submission).

gnomAD v4.1: 7 of 1,614,192 alleles (0.00043%); highest among the groups gnomAD compares: Non-Finnish European, 0.00059%; no homozygotes.

Submission:

Labcorp Genetics (formerly Invitae), Labcorp
Classification: Uncertain significance. Last evaluated: 2025-11-05. Review status: criteria provided, single submitter. Criteria: Invitae Variant Classification Sherloc (09022015). Collection method: clinical testing. Allele origin: germline.
Comment: This sequence change replaces valine, which is neutral and non-polar, with leucine, which is neutral and non-polar, at codon 660 of the ABCA1 protein (p.Val660Leu). This variant is present in population databases (rs762093692, gnomAD 0.0009%). This variant has not been reported in the literature in individuals affected with ABCA1-related conditions. ClinVar contains an entry for this variant (Variation ID: 2421258). Invitae Evidence Modeling of protein sequence and biophysical properties (such as structural, functional, and spatial information, amino acid conservation, physicochemical variation, residue mobility, and thermodynamic stability) indicates that this missense variant is expected to disrupt ABCA1 protein function with a positive predictive value of 80%. In summary, the available evidence is currently insufficient to determine the role of this variant in disease. Therefore, it has been classified as a Variant of Uncertain Significance.

NM_005502.4(ABCA1):c.1978G>T (p.Val660Leu)

Gene: ABCA1 (ATP binding cassette subfamily A member 1; minus strand). Cytogenetic location: 9q31.1.
Variant type: single nucleotide variant.
Coding change: c.1978G>T on transcript NM_005502.4 (MANE Select); coding-DNA position 1978, G replaced by T.
Protein change: p.Val660Leu; replaces valine 660 with leucine.
Molecular consequence: missense variant.
Genome position (GRCh38, 1-based): chr9:104,829,053, C>A on the plus strand (G>T on the coding strand, the complement: ABCA1 is on the minus strand). VCF-style: chr9-104829053-C-A. GRCh37 (hg19) VCF-style: chr9-107591334-C-A.
Other names: short protein forms V660L.
Identifiers: ClinVar variation 2421258 (VCV002421258.6), dbSNP rs762093692, ClinGen allele CA5168850.